The following is an entry in ClinVar:

NM_177438.3(DICER1):c.4287G>A (p.Trp1429Ter)

Gene: DICER1 (dicer 1, ribonuclease III; minus strand). Cytogenetic location: 14q32.13.
Variant type: single nucleotide variant.
Coding change: c.4287G>A on transcript NM_177438.3 (MANE Select); coding-DNA position 4287, G replaced by A.
Protein change: p.Trp1429Ter; replaces tryptophan 1429 with a stop codon.
Molecular consequence: nonsense. On other transcripts: non-coding transcript variant (6).
Genome position (GRCh38, 1-based): chr14:95,096,633, C>T on the plus strand (G>A on the coding strand, the complement: DICER1 is on the minus strand). VCF-style: chr14-95096633-C-T. GRCh37 (hg19) VCF-style: chr14-95562970-C-T.
Other names: c.4287G>A, p.Trp1429Ter (NM_001195573.1, NM_001271282.3, NM_001291628.2 and 13 more transcripts); c.4005G>A, p.Trp1335Ter (NM_001395686.1); c.3882G>A, p.Trp1294Ter (NM_001395687.1, NM_001395688.1, NM_001395689.1 and 2 more transcripts); c.3720G>A, p.Trp1240Ter (NM_001395691.1); c.2604G>A, p.Trp868Ter (NM_001395697.1); short protein forms W868*, W1294*, W1335*, W1429*, W1240*.
Identifiers: ClinVar variation 3000321 (VCV003000321.3), dbSNP rs1890372937, ClinGen allele CA390869519.

ClinVar aggregate classification (germline): Pathogenic (1 of 4 stars; one submission).

Conditions:
DICER1-related tumor predisposition. Also called: DICER1 syndrome; DICER1-related pleuropulmonary blastoma cancer predisposition syndrome. Identifiers: Orphanet 284343, MedGen C3839822, MONDO:0100216.

Submission:

Labcorp Genetics (formerly Invitae), Labcorp
Classification: Pathogenic for DICER1-related tumor predisposition. Last evaluated: 2023-12-19. Review status: criteria provided, single submitter. Criteria: Invitae Variant Classification Sherloc (09022015). Collection method: clinical testing. Allele origin: germline.
Comment: This sequence change creates a premature translational stop signal (p.Trp1429*) in the DICER1 gene. It is expected to result in an absent or disrupted protein product. Loss-of-function variants in DICER1 are known to be pathogenic (PMID: 19556464, 21266384). This variant is not present in population databases (gnomAD no frequency). This variant has not been reported in the literature in individuals affected with DICER1-related conditions. For these reasons, this variant has been classified as Pathogenic.

Literature cited by the submitters: PubMed 19556464; PubMed 21266384.